The following is an entry in ClinVar:

ClinVar aggregate classification (germline): Uncertain significance. Review status: criteria provided, multiple submitters, no conflicts (2 of 4 stars). 2 submissions from 2 submitters: Uncertain significance (2). Last evaluated 2025-04-02.

Conditions:
TRRAP-related disorder. Also called: TRRAP-related condition.

Allele frequency attached by ClinVar (database versions not stated): TOPMed below 0.00001.
gnomAD v4.1: 1 of 1,614,182 alleles (0.000062%); no homozygotes.

Submissions (2):

Labcorp Genetics (formerly Invitae), Labcorp
Classification: Uncertain significance. Last evaluated: 2025-04-02. Review status: criteria provided, single submitter. Criteria: Invitae Variant Classification Sherloc (09022015). Collection method: clinical testing. Allele origin: germline.
Comment: This sequence change replaces methionine, which is neutral and non-polar, with isoleucine, which is neutral and non-polar, at codon 3502 of the TRRAP protein (p.Met3502Ile). This variant is not present in population databases (gnomAD no frequency). This variant has not been reported in the literature in individuals affected with TRRAP-related conditions. ClinVar contains an entry for this variant (Variation ID: 2629653). Invitae Evidence Modeling of protein sequence and biophysical properties (such as structural, functional, and spatial information, amino acid conservation, physicochemical variation, residue mobility, and thermodynamic stability) indicates that this missense variant is not expected to disrupt TRRAP protein function with a negative predictive value of 80%. In summary, the available evidence is currently insufficient to determine the role of this variant in disease. Therefore, it has been classified as a Variant of Uncertain Significance.

PreventionGenetics, part of Exact Sciences
Classification: Uncertain significance for TRRAP-related condition. Last evaluated: 2023-01-13. Review status: criteria provided, single submitter. Criteria: ACMG Guidelines, 2015. Collection method: clinical testing. Allele origin: germline.
Comment: The TRRAP c.10506G>A variant is predicted to result in the amino acid substitution p.Met3502Ile. To our knowledge, this variant has not been reported in the literature or in a large population database, indicating this variant is rare. At this time, the clinical significance of this variant is uncertain due to the absence of conclusive functional and genetic evidence.

NM_001375524.1(TRRAP):c.10635G>A (p.Met3545Ile)

Gene: TRRAP (transformation/transcription domain associated protein; plus strand). Cytogenetic location: 7q22.1.
Variant type: single nucleotide variant.
Coding change: c.10635G>A on transcript NM_001375524.1 (MANE Select); coding-DNA position 10635, G replaced by A.
Protein change: p.Met3545Ile; replaces methionine 3545 with isoleucine.
Molecular consequence: missense variant.
Genome position (GRCh38, 1-based): chr7:99,005,230, G>A. VCF-style: chr7-99005230-G-A. GRCh37 (hg19) VCF-style: chr7-98602853-G-A.
Other names: c.10593G>A, p.Met3531Ile (NM_001244580.2); c.10506G>A, p.Met3502Ile (NM_003496.4); short protein forms M3502I, M3531I, M3545I.
Identifiers: ClinVar variation 2629653 (VCV002629653.2), dbSNP rs1794109184, ClinGen allele CA368338151.
Genomic context (GRCh38, chr7:99,005,230, plus strand): 5'-CGCAGCCCGGCGGCTGTACATCCGGGGACACAATGGCAAGATCTACCCATACCTCGTCAT[G>A]AACGACGCCTGCCTCACAGAGTCACGGCGAGAGGAGCGTGTGTTGCAGCTGCTGCGTCTG-3'
Protein context (NP_001362453.1, residues 3535-3555): HNGKIYPYLV[Met3545Ile]NDACLTESRR